The following is an entry in ClinVar:

NM_006922.4(SCN3A):c.2471G>A (p.Trp824Ter)

Gene: SCN3A (sodium voltage-gated channel alpha subunit 3; minus strand). Cytogenetic location: 2q24.3.
Variant type: single nucleotide variant.
Coding change: c.2471G>A on transcript NM_006922.4 (MANE Select); coding-DNA position 2471, G replaced by A.
Protein change: p.Trp824Ter; replaces tryptophan 824 with a stop codon.
Molecular consequence: nonsense.
Genome position (GRCh38, 1-based): chr2:165,131,338, C>T on the plus strand (G>A on the coding strand, the complement: SCN3A is on the minus strand). VCF-style: chr2-165131338-C-T. GRCh37 (hg19) VCF-style: chr2-165987848-C-T.
Other names: c.2324G>A, p.Trp775Ter (NM_001081676.2, NM_001081677.2); short protein forms W775*, W824*.
Identifiers: ClinVar variation 5009434 (VCV005009434.1).

ClinVar aggregate classification (germline): Uncertain significance (1 of 4 stars; one submission).

Submission:

GeneDx
Classification: Uncertain significance. Last evaluated: 2026-03-18. Review status: criteria provided, single submitter. Criteria: GeneDx Variant Classification Process June 2021. Collection method: clinical testing. Allele origin: germline.
Comment: Not observed at significant frequency in large population cohorts (gnomAD); Nonsense variant predicted to result in protein truncation or nonsense mediated decay in a gene or region of a gene for which loss of function is not a well-established mechanism of disease; Has not been previously published as pathogenic or benign to our knowledge